The following is an entry in ClinVar:

ClinVar aggregate classification (germline): Benign. Review status: criteria provided, single submitter (1 of 4 stars). 2 submissions from 2 submitters: Benign (1). 1 of the submissions does not count toward it. Last evaluated 2025-12-30.

Conditions:
KMT2D-related disorder. Also called: KMT2D-Related Disorders.
Kabuki syndrome. Also called: NIIKAWA-KUROKI SYNDROME; Kabuki make-up syndrome. Identifiers: Orphanet 2322, MedGen C0796004, MONDO:0016512.

Allele frequency attached by ClinVar (database versions not stated): gnomAD 0.00002; gnomAD exomes 0.00002; TOPMed 0.00003; ExAC 0.00004; 1000 Genomes Project 30x 0.00016; 1000 Genomes Project 0.00020.
gnomAD v4.1: 30 of 1,613,842 alleles (0.0019%); highest among the groups gnomAD compares: East Asian, 0.018%; no homozygotes.

Submissions (2):

Labcorp Genetics (formerly Invitae), Labcorp
Classification: Benign for Kabuki syndrome. Last evaluated: 2025-12-30. Review status: criteria provided, single submitter. Criteria: Invitae Variant Classification Sherloc (09022015). Collection method: clinical testing. Allele origin: germline.

PreventionGenetics, part of Exact Sciences
Classification: Likely benign for KMT2D-related condition. Last evaluated: 2019-03-21. Review status: no assertion criteria provided. Collection method: clinical testing. Allele origin: germline. Not counted in ClinVar's aggregate classification.
Comment: This variant is classified as likely benign based on ACMG/AMP sequence variant interpretation guidelines (Richards et al. 2015 PMID: 25741868, with internal and published modifications).

NM_003482.4(KMT2D):c.14412G>A (p.Ala4804=)

Gene: KMT2D (lysine methyltransferase 2D; minus strand). Cytogenetic location: 12q13.12.
Variant type: single nucleotide variant.
Coding change: c.14412G>A on transcript NM_003482.4 (MANE Select); coding-DNA position 14412, G replaced by A.
Protein change: p.Ala4804=; no amino-acid change (alanine 4804 retained).
Molecular consequence: synonymous variant.
Genome position (GRCh38, 1-based): chr12:49,028,112, C>T on the plus strand (G>A on the coding strand, the complement: KMT2D is on the minus strand). VCF-style: chr12-49028112-C-T. GRCh37 (hg19) VCF-style: chr12-49421895-C-T.
Identifiers: ClinVar variation 2042718 (VCV002042718.6), dbSNP rs146503446, ClinGen allele CA6545748.
Genomic context (GRCh38, chr12:49,028,112, plus strand): 5'-GGCGGGGCTCTCTGGGAACAGCACCTCATAGGAGTTGGGGATCTTCATGCTCAGCAGCTC[C>T]GCCACTGCCACCATCACGCCATTCAGGTTCTGCCAGGGCCAGGGAAGGGATGGAAGAAAC-3'
Protein context (NP_003473.3, residues 4794-4814): KNLNGVMVAV[Ala4804=]ELLSMKIPNS